The following is an entry in ClinVar:

ClinVar aggregate classification (germline): Uncertain significance (1 of 4 stars; one submission).

gnomAD v4.1: 2 of 1,614,226 alleles (0.00012%); highest among the groups gnomAD compares: African/African-American, 0.0027%; no homozygotes.

Submission:

Women's Health and Genetics/Laboratory Corporation of America, LabCorp
Classification: Uncertain significance. Last evaluated: 2026-04-29. Review status: criteria provided, single submitter. Criteria: LabCorp Variant Classification Summary - May 2015. Collection method: clinical testing. Allele origin: germline.
Comment: Variant summary: RNF213 c.13310G>A (p.Ser4437Asn) results in a conservative amino acid change in the encoded protein sequence. Algorithms developed to predict the effect of missense changes on protein structure and function all suggest that this variant is likely to be tolerated. The variant was absent in 251484 control chromosomes. The available data on variant occurrences in the general population are insufficient to allow any conclusion about variant significance. To our knowledge, no occurrence of c.13310G>A in individuals affected with RNF213-related conditions and no experimental evidence demonstrating its impact on protein function have been reported. No submitters have cited clinical-significance assessments for this variant to ClinVar. Based on the evidence outlined above, the variant was classified as uncertain significance.

NM_001256071.3(RNF213):c.13310G>A (p.Ser4437Asn)

Genes: RNF213 (ring finger protein 213; plus strand), RNF213-AS1 (RNF213 antisense RNA 1; minus strand). Cytogenetic location: 17q25.3.
Variant type: single nucleotide variant.
Coding change: c.13310G>A on transcript NM_001256071.3 (MANE Select); coding-DNA position 13310, G replaced by A.
Protein change: p.Ser4437Asn; replaces serine 4437 with asparagine.
Molecular consequence: missense variant.
Genome position (GRCh38, 1-based): chr17:80,376,425, G>A. VCF-style: chr17-80376425-G-A. GRCh37 (hg19) VCF-style: chr17-78350225-G-A.
Other names: c.13457G>A, p.Ser4486Asn (NM_001410195.1, NM_020914.5); short protein forms S4437N, S4486N.
Identifiers: ClinVar variation 4849119 (VCV004849119.1).